The following is an entry in ClinVar:

NM_015681.6(B9D1):c.182G>A (p.Arg61Gln)

Gene: B9D1 (B9 domain containing 1; minus strand). Cytogenetic location: 17p11.2.
Variant type: single nucleotide variant.
Coding change: c.182G>A on transcript NM_015681.6 (MANE Select); coding-DNA position 182, G replaced by A.
Protein change: p.Arg61Gln; replaces arginine 61 with glutamine.
Molecular consequence: missense variant. On other transcripts: 5 prime UTR variant (1).
Genome position (GRCh38, 1-based): chr17:19,357,902, C>T on the plus strand (G>A on the coding strand, the complement: B9D1 is on the minus strand). VCF-style: chr17-19357902-C-T. GRCh37 (hg19) VCF-style: chr17-19261215-C-T.
Other names: c.182G>A, p.Arg61Gln (NM_001321214.2, NM_001321215.3, NM_001321216.2 and 4 more transcripts); c.-179G>A (NM_001368769.2); short protein forms R61Q.
Identifiers: ClinVar variation 2056387 (VCV002056387.4), dbSNP rs868006869, ClinGen allele CA288556367.

ClinVar aggregate classification (germline): Uncertain significance (1 of 4 stars; one submission).

Conditions:
Joubert syndrome. Also called: CEREBELLOPARENCHYMAL DISORDER IV; JOUBERT-BOLTSHAUSER SYNDROME; Familial aplasia of the vermis. Identifiers: Orphanet 475, MedGen C5979921, MONDO:0018772.
Meckel-Gruber syndrome. Also called: DYSENCEPHALIA SPLANCHNOCYSTICA; GRUBER SYNDROME; Dysencephalia splachnocystica. Identifiers: Orphanet 564, MedGen C0265215, MONDO:0018921.

Allele frequency attached by ClinVar (database versions not stated): gnomAD 0.00001; TOPMed 0.00001; gnomAD exomes 0.00007.
gnomAD v4.1: 103 of 1,614,026 alleles (0.0064%); highest among the groups gnomAD compares: Non-Finnish European, 0.0081%; 1 homozygote.

Submission:

Labcorp Genetics (formerly Invitae), Labcorp
Classification: Uncertain significance for Joubert syndrome; Meckel-Gruber syndrome. Last evaluated: 2025-01-15. Review status: criteria provided, single submitter. Criteria: Invitae Variant Classification Sherloc (09022015). Collection method: clinical testing. Allele origin: germline.
Comment: This sequence change replaces arginine, which is basic and polar, with glutamine, which is neutral and polar, at codon 61 of the B9D1 protein (p.Arg61Gln). This variant is present in population databases (no rsID available, gnomAD 0.002%). This variant has not been reported in the literature in individuals affected with B9D1-related conditions. ClinVar contains an entry for this variant (Variation ID: 2056387). An algorithm developed to predict the effect of missense changes on protein structure and function (PolyPhen-2) suggests that this variant is likely to be tolerated. In summary, the available evidence is currently insufficient to determine the role of this variant in disease. Therefore, it has been classified as a Variant of Uncertain Significance.